The following is an entry in ClinVar:

ClinVar aggregate classification (germline): Uncertain significance (1 of 4 stars; one submission).

Allele frequency attached by ClinVar (database versions not stated): gnomAD exomes below 0.00001 and 0.00001; TOPMed 0.00001.

Submission:

Labcorp Genetics (formerly Invitae), Labcorp
Classification: Uncertain significance. Last evaluated: 2020-07-21. Review status: criteria provided, single submitter. Criteria: Invitae Variant Classification Sherloc (09022015). Collection method: clinical testing. Allele origin: germline.
Comment: In summary, the available evidence is currently insufficient to determine the role of this variant in disease. Therefore, it has been classified as a Variant of Uncertain Significance. This variant has not been reported in the literature in individuals with MAK-related conditions. This variant is not present in population databases (ExAC no frequency). This sequence change affects the initiator methionine of the MAK mRNA. The next in-frame methionine is located at codon 7.

NM_001242957.3(MAK):c.2T>C (p.Met1Thr)

Gene: MAK (male germ cell associated kinase; minus strand). Cytogenetic location: 6p24.2.
Variant type: single nucleotide variant.
Coding change: c.2T>C on transcript NM_001242957.3 (MANE Select); coding-DNA position 2, T replaced by C.
Protein change: p.Met1Thr; changes the start codon (methionine 1).
Molecular consequence: missense variant, initiator codon variant. On other transcripts: non-coding transcript variant (2), intron variant (1).
Genome position (GRCh38, 1-based): chr6:10,830,647, A>G on the plus strand (T>C on the coding strand, the complement: MAK is on the minus strand). VCF-style: chr6-10830647-A-G. GRCh37 (hg19) VCF-style: chr6-10830880-A-G.
Other names: c.2T>C, p.Met1Thr (NM_001242385.2, NM_005906.6); c.-2+7856T>C (NM_001377262.1); short protein forms M1T.
Identifiers: ClinVar variation 1042563 (VCV001042563.9), dbSNP rs1030932728, ClinGen allele CA134140531.
Genomic context (GRCh38, chr6:10,830,647, plus strand): 5'-CCCATAAGCACACTCCCATACGTGCCGTCCCCCAACTGTCTCATGGTTGTGTATCGGTTC[A>G]TCTTGGAAAAATAATGCAGCAGAAGTTGTTGATTGAAATGACTTCCTTGTTGAATATAAA-3'
Protein context (NP_001229886.1, residues 1-11): [Met1Thr]NRYTTMRQLG